The following is an entry in ClinVar:

NM_005257.6(GATA6):c.713_721del (p.Gly238_Gly240del)

Gene: GATA6 (GATA binding protein 6; plus strand). Cytogenetic location: 18q11.2.
Variant type: Deletion.
Coding change: c.713_721del on transcript NM_005257.6 (MANE Select); coding-DNA positions 713 to 721, 9 bases deleted (GAGGCGGCG; older notation c.713_721delGAGGCGGCG).
Protein change: p.Gly238_Gly240del.
Molecular consequence: inframe deletion.
Genome position (GRCh38, 1-based): chr18:22,171,857-22,171,865, GAGGCGGCG deleted; deleting any 9 consecutive bases within chr18:22,171,854-22,171,865 gives the same sequence; the c. name uses the placement nearest the transcript's 3' end. VCF-style (leftmost placement, unchanged base first): chr18-22171853-AGCGGAGGCG-A. GRCh37 (hg19) VCF-style: chr18-19751814-AGCGGAGGCG-A.
Identifiers: ClinVar variation 4703959 (VCV004703959.1).
Genomic context (GRCh38, chr18:22,171,853, plus strand): 5'-GGCGGCGCGGGCGCGCACCCCGGCTGGCCTCAGGCCTCGGCCGACAGCCCTCCATACGGC[AGCGGAGGCG>A]GCGCGGCTGGCGGCGGGGCCGCGGGGCCTGGCGGCGCTGGCTCAGCCGCGGCGCACGTCT-3'

ClinVar aggregate classification (germline): Uncertain significance (1 of 4 stars; one submission).

Conditions:
Atrioventricular septal defect 5 (AVSD5). Identifiers: MedGen C3280939, MONDO:0013769, OMIM 614474.

Submission:

Labcorp Genetics (formerly Invitae), Labcorp
Classification: Uncertain significance for Atrioventricular septal defect 5. Last evaluated: 2025-12-14. Review status: criteria provided, single submitter. Criteria: Invitae Variant Classification Sherloc (09022015). Collection method: clinical testing. Allele origin: germline.
Comment: This variant, c.713_721del, results in the deletion of 3 amino acid(s) of the GATA6 protein (p.Gly238_Gly240del), but otherwise preserves the integrity of the reading frame. This variant is not present in population databases (gnomAD no frequency). This variant has not been reported in the literature in individuals affected with GATA6-related conditions. Experimental studies and prediction algorithms are not available or were not evaluated, and the functional significance of this variant is currently unknown. In summary, the available evidence is currently insufficient to determine the role of this variant in disease. Therefore, it has been classified as a Variant of Uncertain Significance.